The following is an entry in ClinVar:

ClinVar aggregate classification (germline): Uncertain significance (1 of 4 stars; one submission).

Conditions:
Dyskeratosis congenita. Identifiers: Orphanet 1775, MedGen C0265965, MONDO:0015780.

Submission:

Ambry Genetics
Classification: Uncertain significance for Dyskeratosis congenita. Last evaluated: 2026-01-22. Review status: criteria provided, single submitter. Criteria: Ambry Variant Classification Scheme 2023. Collection method: clinical testing. Allele origin: germline.
Comment: The p.V324G variant (also known as c.971T>G), located in coding exon 2 of the TERT gene, results from a T to G substitution at nucleotide position 971. The valine at codon 324 is replaced by glycine, an amino acid with dissimilar properties. This amino acid position is conserved. In addition, the in silico prediction for this alteration is inconclusive. Based on the available evidence, the clinical significance of this variant remains unclear.

NM_198253.3(TERT):c.971T>G (p.Val324Gly)

Gene: TERT (telomerase reverse transcriptase; minus strand). Cytogenetic location: 5p15.33.
Variant type: single nucleotide variant.
Coding change: c.971T>G on transcript NM_198253.3 (MANE Select); coding-DNA position 971, T replaced by G.
Protein change: p.Val324Gly; replaces valine 324 with glycine.
Molecular consequence: missense variant. On other transcripts: non-coding transcript variant (2).
Genome position (GRCh38, 1-based): chr5:1,293,915, A>C on the plus strand (T>G on the coding strand, the complement: TERT is on the minus strand). VCF-style: chr5-1293915-A-C. GRCh37 (hg19) VCF-style: chr5-1294030-A-C.
Other names: c.971T>G, p.Val324Gly (NM_001193376.3); short protein forms V324G.
Identifiers: ClinVar variation 4825588 (VCV004825588.1).
Genomic context (GRCh38, chr5:1,293,915, plus strand): 5'-GAGGGCCGCAGCTGCTCCTTGTCGCCTGAGGAGTAGAGGAAGTGCTTGGTCTCGGCGTAC[A>C]CCGGGGGACAAGGCGTGTCCCAGGGACGTGGTGGCCGCGATGTGGATGGGGGGCCCGCGT-3'
Protein context (NP_937983.2, residues 314-334): PRPWDTPCPP[Val324Gly]YAETKHFLYS